The following is an entry in ClinVar:

NM_018993.4(RIN2):c.365A>G (p.His122Arg)

Gene: RIN2 (Ras and Rab interactor 2; plus strand). Cytogenetic location: 20p11.23.
Variant type: single nucleotide variant.
Coding change: c.365A>G on transcript NM_018993.4 (MANE Select); coding-DNA position 365, A replaced by G.
Protein change: p.His122Arg; replaces histidine 122 with arginine.
Molecular consequence: missense variant. On other transcripts: 5 prime UTR variant (1).
Genome position (GRCh38, 1-based): chr20:19,960,713, A>G. VCF-style: chr20-19960713-A-G. GRCh37 (hg19) VCF-style: chr20-19941357-A-G.
Other names: c.512A>G, p.His171Arg (NM_001242581.2); c.-181A>G (NM_001378238.1); short protein forms H171R, H122R.
Identifiers: ClinVar variation 695911 (VCV000695911.16), dbSNP rs201529870, ClinGen allele CA9779809.

ClinVar aggregate classification (germline): Benign/Likely benign. Review status: criteria provided, multiple submitters, no conflicts (2 of 4 stars). 4 submissions from 4 submitters: Benign (1); Likely benign (2). 1 of the submissions does not count toward it. Last evaluated 2026-02-02.

Conditions:
RIN2-related disorder. Also called: RIN2-related condition.
Inborn genetic diseases. Identifiers: MedGen C0950123, MeSH D030342.

Allele frequency attached by ClinVar (database versions not stated): gnomAD exomes 0.00018 and 0.00052; ExAC 0.00161; gnomAD 0.00188 and 0.00200; 1000 Genomes Project 30x 0.00219; TOPMed 0.00227; ESP Exome Variant Server 0.00152; 1000 Genomes Project 0.00160.
gnomAD v4.1: 556 of 1,597,414 alleles (0.035%); highest among the groups gnomAD compares: African/African-American, 0.65%; 2 homozygotes.

Submissions (6):

Labcorp Genetics (formerly Invitae), Labcorp
Classification: Benign. Last evaluated: 2026-02-02. Review status: criteria provided, single submitter. Criteria: Invitae Variant Classification Sherloc (09022015). Collection method: clinical testing. Allele origin: germline.

Ambry Genetics
Classification: Likely benign for Inborn genetic diseases. Last evaluated: 2025-04-16. Review status: criteria provided, single submitter. Criteria: Ambry Variant Classification Scheme 2023. Collection method: clinical testing. Allele origin: germline.

GeneDx
Classification: Likely benign. Last evaluated: 2020-11-30. Review status: criteria provided, single submitter. Criteria: GeneDx Variant Classification Process June 2021. Collection method: clinical testing. Allele origin: germline. Affected: yes.

PreventionGenetics, part of Exact Sciences
Classification: Likely benign for RIN2-related condition. Last evaluated: 2024-01-18. Review status: no assertion criteria provided. Collection method: clinical testing. Allele origin: germline. Not counted in ClinVar's aggregate classification.
Comment: This variant is classified as likely benign based on ACMG/AMP sequence variant interpretation guidelines (Richards et al. 2015 PMID: 25741868, with internal and published modifications).

Dr. Peter K. Rogan Lab, Western University
No classification provided (evidence only). Condition: Familial cancer of breast. Review status: no classification provided. Collection method: in vitro. Allele origin: not applicable. Functional consequence: retained intron. Not counted in ClinVar's aggregate classification.

Dr. Peter K. Rogan Lab, Western University
No classification provided (evidence only). Condition: Cervical cancer. Review status: no classification provided. Collection method: in vitro. Allele origin: not applicable. Functional consequence: retained intron. Not counted in ClinVar's aggregate classification.